The following is an entry in ClinVar:

ClinVar aggregate classification (germline): Likely pathogenic (1 of 4 stars; one submission).

Conditions:
Dilated cardiomyopathy 1G (CMD1G). Identifiers: Orphanet 154, MedGen C1858763, MONDO:0011400, OMIM 604145.

Submission:

Institute of Immunology and Genetics Kaiserslautern
Classification: Likely pathogenic for Dilated cardiomyopathy 1G. Last evaluated: 2024-04-16. Review status: criteria provided, single submitter. Criteria: ACMG Guidelines, 2015. Collection method: clinical testing. Allele origin: germline. Affected: yes.
Comment: ACMG Criteria: PVS1, PM2; Variant was found in heterozygous state

NM_001267550.2(TTN):c.104408C>G (p.Ser34803Ter)

Genes: TTN (titin; minus strand), TTN-AS1 (TTN antisense RNA 1; plus strand). Cytogenetic location: 2q31.2.
Variant type: single nucleotide variant.
Coding change: c.104408C>G on transcript NM_001267550.2 (MANE Select); coding-DNA position 104408, C replaced by G.
Protein change: p.Ser34803Ter; replaces serine 34803 with a stop codon.
Molecular consequence: nonsense.
Genome position (GRCh38, 1-based): chr2:178,532,207, G>C on the plus strand (C>G on the coding strand, the complement: TTN is on the minus strand). VCF-style: chr2-178532207-G-C. GRCh37 (hg19) VCF-style: chr2-179396934-G-C.
Other names: c.99485C>G, p.Ser33162Ter (NM_001256850.1); c.77213C>G, p.Ser25738Ter (NM_003319.4); c.96704C>G, p.Ser32235Ter (NM_133378.4); c.77588C>G, p.Ser25863Ter (NM_133432.3); c.77789C>G, p.Ser25930Ter (NM_133437.4); short protein forms S25738*, S25863*, S25930*, S32235*, S33162*, S34803*.
Identifiers: ClinVar variation 3235082 (VCV003235082.1), dbSNP rs2468441135, ClinGen allele CA349411795.
Genomic context (GRCh38, chr2:178,532,207, plus strand): 5'-TTTGAGATTTCGTATTCTTCCTCAATTTCTGTTATTTCTGTCACTTCTCTTTGTCGCCTT[G>C]ATTTCTTTCTAGACTTTTCCTCCTTTGACATGAAGTCAAGTTCGCTTTTGTATTCTGAGA-3'